The following is an entry in ClinVar:

NM_004415.4(DSP):c.5626del (p.Glu1876fs)

Gene: DSP (desmoplakin; plus strand). Cytogenetic location: 6p24.3.
Variant type: Deletion.
Coding change: c.5626del on transcript NM_004415.4 (MANE Select); coding-DNA position 5626, one base deleted (G; older notation c.5626delG).
Protein change: p.Glu1876fs; shifts the reading frame from glutamic acid 1876.
Molecular consequence: frameshift variant.
Genome position (GRCh38, 1-based): chr6:7,582,888, G deleted; the last of 2 consecutive G bases (chr6:7,582,887-7,582,888); deleting either gives the same sequence. VCF-style (leftmost placement, unchanged base first): chr6-7582886-AG-A. GRCh37 (hg19) VCF-style: chr6-7583119-AG-A.
Other names: c.5626delG (NM_004415.4); c.3829del, p.Glu1277fs (NM_001008844.3); c.4297del, p.Glu1433fs (NM_001319034.2); short protein forms E1277fs, E1433fs, E1876fs.
Identifiers: ClinVar variation 3773771 (VCV003773771.3).
Genomic context (GRCh38, chr6:7,582,886, plus strand): 5'-GTGAGAAACAGCAAATTCAGAATGACCTGAATCAGTGGAAGACTCAATATTCCCGCAAGG[AG>A]GAGGCTATTAGGAAGATAGAATCGGAAAGAGAAAAGAGTGAGAGAGAGAAGAACAGTCTT-3'

ClinVar aggregate classification (germline): Pathogenic. Review status: criteria provided, multiple submitters, no conflicts (2 of 4 stars). 2 submissions from 2 submitters: Pathogenic (2). Last evaluated 2025-06-09.

Conditions:
Arrhythmogenic cardiomyopathy with wooly hair and keratoderma. Also called: PALMOPLANTAR KERATODERMA WITH LEFT VENTRICULAR CARDIOMYOPATHY AND WOOLLY HAIR; Carvajal syndrome; Dilated cardiomyopathy with woolly hair and keratoderma; Arrhythmogenic cardiomyopathy with woolly hair and keratoderma. Identifiers: Orphanet 65282, MedGen C1854063, MONDO:0011581, OMIM 605676.
Arrhythmogenic right ventricular dysplasia 8 (ARVD8). Also called: ARRHYTHMOGENIC RIGHT VENTRICULAR CARDIOMYOPATHY 8; ARRHYTHMOGENIC RIGHT VENTRICULAR DYSPLASIA, FAMILIAL, 8; Arrhythmogenic Right Ventricular Dysplasia/Cardiomyopathy 8. Identifiers: MedGen C1843896, MONDO:0011831, OMIM 607450.

Submissions (2):

Victorian Clinical Genetics Services, Murdoch Childrens Research Institute
Classification: Pathogenic for Arrhythmogenic right ventricular dysplasia 8. Last evaluated: 2025-06-09. Review status: criteria provided, single submitter. Criteria: ACMG Guidelines, 2015. Collection method: clinical testing. Allele origin: germline. Affected: yes.
Comment: This variant is classified as Pathogenic. Evidence in support of pathogenic classification: Variant is predicted to result in a truncated protein (premature termination codon is NOT located at least 54 nucleotides upstream of the final exon-exon junction) with at least 1/3 of the protein sequence affected; Variant is absent from gnomAD (v2, v3 and v4); Other protein truncating variant(s) comparable to the one identified in this case have very strong previous evidence for pathogenicity (DECIPHER). Additional information: This variant is heterozygous; This gene is associated with both recessive and dominant disease. Variants in this gene are usually inherited in a dominant manner; however there are rare reports of recessive inheritance resulting in a more severe cardiac phenotype (OMIM); This variant has no previous evidence of pathogenicity; No published segregation evidence has been identified for this variant; No published functional evidence has been identified for this variant; Loss of function is a known mechanism of disease in this gene and is associated with arrhythmogenic right ventricular dysplasia 8 (MIM#607450) and other DSP-related cardiac disorders; The condition associated with this gene has incomplete penetrance. In families with cardiomyopathies, reduced penetrance has been reported among family members aged 60-86 years (PMID: 36580316); Variants in this gene are known to have variable expressivity. Age-dependent penetrance and variable expressivity are well-described aspects of arrhythmogenic cardiomyopathy (PMID: 29062697); Inheritance information for this variant is not currently available in this individual.

Molecular Genetics, Royal Melbourne Hospital
Classification: Pathogenic for Arrhythmogenic cardiomyopathy with wooly hair and keratoderma. Last evaluated: 2024-08-05. Review status: criteria provided, single submitter. Criteria: ACMG Guidelines, 2015. Collection method: clinical testing. Allele origin: germline. Inheritance: Autosomal dominant inheritance. Affected: yes.
Comment: This sequence change in DSP is a frameshift variant predicted to cause a premature stop codon, p.(Glu1876Argfs*6) in exon 24/24, that is predicted to escape nonsense-mediated decay, however it is a truncation of a functionally important region (removes amino acids 1794-2872) including the critical C-terminal IF binding domain in a gene where loss-of-function is an established disease mechanism (PMID: 16175511, 17934502). This variant is absent from the population database gnomAD v4.1. To our knowledge, this variant is novel and has not been previously reported in the relevant scientific literature or databases. Based on the classification scheme RMH Modified ACMG/AMP Guidelines v1.7.0, this variant is classified as PATHOGENIC. Following criteria are met: PVS1, PM2_Supporting, PS4_Supporting.

Literature cited by the submitters: PubMed 36580316 (cited by Victorian Clinical Genetics Services, Murdoch Childrens Research Institute); PubMed 29062697 (cited by Victorian Clinical Genetics Services, Murdoch Childrens Research Institute); PubMed 16175511 (cited by Molecular Genetics, Royal Melbourne Hospital); PubMed 17934502 (cited by Molecular Genetics, Royal Melbourne Hospital); PubMed 36175056 (cited by Molecular Genetics, Royal Melbourne Hospital).